The following is an entry in ClinVar:

ClinVar aggregate classification (germline): Benign (1 of 4 stars; one submission).

Conditions:
Ichthyosis bullosa of Siemens (IBS). Also called: Superficial epidermolytic ichthyosis. Identifiers: Orphanet 455, MedGen C0432306, MONDO:0007813, OMIM 146800.

Allele frequency attached by ClinVar (database versions not stated): gnomAD 0.00003 and 0.00005; TOPMed 0.00003; gnomAD exomes 0.00008; ExAC 0.00011; 1000 Genomes Project 30x 0.00016; 1000 Genomes Project 0.00020.
gnomAD v4.1: 57 of 1,605,634 alleles (0.0035%); highest among the groups gnomAD compares: East Asian, 0.016%; no homozygotes.

Submission:

Illumina Laboratory Services, Illumina
Classification: Benign for Ichthyosis bullosa of Siemens. Last evaluated: 2018-01-13. Review status: criteria provided, single submitter. Criteria: ICSL Variant Classification Criteria 13 December 2019. Collection method: clinical testing. Allele origin: germline.
Comment: This variant was observed in the ICSL laboratory as part of a predisposition screen in an ostensibly healthy population. It had not been previously curated by ICSL or reported in the Human Gene Mutation Database (HGMD: prior to June 1st, 2018), and was therefore a candidate for classification through an automated scoring system. Utilizing variant allele frequency, disease prevalence and penetrance estimates, and inheritance mode, an automated score was calculated to assess if this variant is too frequent to cause the disease. Based on the score and internal cut-off values, a variant classified as benign is not then subjected to further curation. The score for this variant resulted in a classification of benign for this disease.

NM_000423.3(KRT2):c.339C>T (p.Phe113=)

Gene: KRT2 (keratin 2; minus strand). Cytogenetic location: 12q13.13.
Variant type: single nucleotide variant.
Coding change: c.339C>T on transcript NM_000423.3 (MANE Select); coding-DNA position 339, C replaced by T.
Protein change: p.Phe113=; no amino-acid change (phenylalanine 113 retained).
Molecular consequence: synonymous variant.
Genome position (GRCh38, 1-based): chr12:52,651,804, G>A on the plus strand (C>T on the coding strand, the complement: KRT2 is on the minus strand). VCF-style: chr12-52651804-G-A. GRCh37 (hg19) VCF-style: chr12-53045588-G-A.
Identifiers: ClinVar variation 309621 (VCV000309621.5), dbSNP rs532474326, ClinGen allele CA6585860.